The following is an entry in ClinVar:

NM_001283009.2(RTEL1):c.2003G>A (p.Gly668Asp)

Genes: RTEL1 (regulator of telomere elongation helicase 1; plus strand), RTEL1-TNFRSF6B (RTEL1-TNFRSF6B readthrough (NMD candidate); plus strand). Cytogenetic location: 20q13.33.
Variant type: single nucleotide variant.
Coding change: c.2003G>A on transcript NM_001283009.2 (MANE Select); coding-DNA position 2003, G replaced by A.
Protein change: p.Gly668Asp; replaces glycine 668 with aspartic acid.
Molecular consequence: missense variant. On other transcripts: non-coding transcript variant (1).
Genome position (GRCh38, 1-based): chr20:63,689,626, G>A. VCF-style: chr20-63689626-G-A. GRCh37 (hg19) VCF-style: chr20-62320979-G-A.
Other names: c.1334G>A, p.Gly445Asp (NM_001283010.1); c.2003G>A, p.Gly668Asp (NM_016434.4); c.2075G>A, p.Gly692Asp (NM_032957.5); short protein forms G445D, G668D, G692D.
Identifiers: ClinVar variation 2158308 (VCV002158308.5), dbSNP rs2517133108, ClinGen allele CA409678920.

ClinVar aggregate classification (germline): Uncertain significance. Review status: criteria provided, multiple submitters, no conflicts (2 of 4 stars). 2 submissions from 2 submitters: Uncertain significance (2). Last evaluated 2025-01-02.

Conditions:
Inborn genetic diseases. Identifiers: MedGen C0950123, MeSH D030342.
Pulmonary fibrosis and/or bone marrow failure, Telomere-related, 3. Also called: PULMONARY FIBROSIS AND/OR BONE MARROW FAILURE SYNDROME, TELOMERE-RELATED, 3. Identifiers: Orphanet 2032, MedGen C4225346, MONDO:0014613, OMIM 616373.
Dyskeratosis congenita, autosomal recessive 5 (DKCB5). Identifiers: MedGen C3554656, MONDO:0014076, OMIM 615190.

gnomAD v4.1: 8 of 1,612,208 alleles (0.0005%); highest among the groups gnomAD compares: Non-Finnish European, 0.00068%; no homozygotes.

Submissions (2):

Ambry Genetics
Classification: Uncertain significance for Inborn genetic diseases. Last evaluated: 2025-01-02. Review status: criteria provided, single submitter. Criteria: Ambry Variant Classification Scheme 2023. Collection method: clinical testing. Allele origin: germline.
Comment: The p.G668D variant (also known as c.2003G>A), located in coding exon 22 of the RTEL1 gene, results from a G to A substitution at nucleotide position 2003. The glycine at codon 668 is replaced by aspartic acid, an amino acid with similar properties. This amino acid position is conserved. In addition, this alteration is predicted to be tolerated by in silico analysis. Based on the available evidence, the clinical significance of this variant remains unclear.

Labcorp Genetics (formerly Invitae), Labcorp
Classification: Uncertain significance for Dyskeratosis congenita, autosomal recessive 5; Pulmonary fibrosis and/or bone marrow failure, Telomere-related, 3. Last evaluated: 2022-07-30. Review status: criteria provided, single submitter. Criteria: Invitae Variant Classification Sherloc (09022015). Collection method: clinical testing. Allele origin: germline.
Comment: In summary, the available evidence is currently insufficient to determine the role of this variant in disease. Therefore, it has been classified as a Variant of Uncertain Significance. Algorithms developed to predict the effect of missense changes on protein structure and function are either unavailable or do not agree on the potential impact of this missense change (SIFT: "Tolerated"; PolyPhen-2: "Possibly Damaging"; Align-GVGD: "Class C0"). This variant has not been reported in the literature in individuals affected with RTEL1-related conditions. This variant is not present in population databases (gnomAD no frequency). This sequence change replaces glycine, which is neutral and non-polar, with aspartic acid, which is acidic and polar, at codon 668 of the RTEL1 protein (p.Gly668Asp).